The following is an entry in ClinVar:

ClinVar aggregate classification (germline): Likely pathogenic (1 of 4 stars; one submission).

Conditions:
Developmental and epileptic encephalopathy 6B. Also called: Developmental and epileptic encephalopathy 6B, non-Dravet. Identifiers: MedGen C5543353, MONDO:0030268, OMIM 619317.

Submission:

Neuberg Centre For Genomic Medicine, NCGM
Classification: Likely pathogenic for Developmental and epileptic encephalopathy 6B. Review status: criteria provided, single submitter. Criteria: ACMG Guidelines, 2015. Collection method: clinical testing. Allele origin: germline. Inheritance: Autosomal dominant inheritance. Affected: yes.
Comment: The c.5176T>A (p.Trp1726Arg) variant in the SCN1A gene has been reported as de novo in a patient affected with SCN1A-related infantile epileptic encephalopathy (Harkin LA. et al., 2007). This variant is novel (not in any individuals) in gnomAD Exomes and 1000 Genomes. The amino acid Tryptophan at position 1726 is changed to an Arginine changing protein sequence and it might alter its composition and physico-chemical properties. The variant is predicted to be damaging by both SIFT and PolyPhen2. The residue is conserved across species. For these reasons, this variant has been classified as Likely Pathogenic.

NM_001165963.4(SCN1A):c.5176T>A (p.Trp1726Arg)

Genes: SCN1A (sodium voltage-gated channel alpha subunit 1; minus strand), LOC102724058 (uncharacterized LOC102724058; plus strand). Cytogenetic location: 2q24.3.
Variant type: single nucleotide variant.
Coding change: c.5176T>A on transcript NM_001165963.4 (MANE Select); coding-DNA position 5176, T replaced by A.
Protein change: p.Trp1726Arg; replaces tryptophan 1726 with arginine.
Molecular consequence: missense variant. On other transcripts: non-coding transcript variant (1).
Genome position (GRCh38, 1-based): chr2:165,992,099, A>T on the plus strand (T>A on the coding strand, the complement: SCN1A is on the minus strand). VCF-style: chr2-165992099-A-T. GRCh37 (hg19) VCF-style: chr2-166848609-A-T.
Other names: c.5092T>A, p.Trp1698Arg (NM_001165964.3, NM_001353957.2, NM_001353958.2); c.5176T>A, p.Trp1726Arg (NM_001202435.3, NM_001353948.2); c.5143T>A, p.Trp1715Arg (NM_001353949.2, NM_001353950.2, NM_001353951.2 and 2 more transcripts); c.5140T>A, p.Trp1714Arg (NM_001353954.2, NM_001353955.2); c.5089T>A, p.Trp1697Arg (NM_001353960.2); c.2734T>A, p.Trp912Arg (NM_001353961.2); short protein forms W1715R, W1726R, W912R, W1698R, W1697R, W1714R.
Identifiers: ClinVar variation 2585306 (VCV002585306.1), dbSNP rs121917979, ClinGen allele CA349068778.